The following is an entry in ClinVar:

ClinVar aggregate classification (germline): Uncertain significance (1 of 4 stars; one submission).

Allele frequency attached by ClinVar (database versions not stated): gnomAD 0.00001; gnomAD exomes 0.00001; ExAC 0.00003.
gnomAD v4.1: 16 of 1,613,202 alleles (0.00099%); highest among the groups gnomAD compares: South Asian, 0.016%; no homozygotes.

Submission:

Labcorp Genetics (formerly Invitae), Labcorp
Classification: Uncertain significance. Last evaluated: 2023-08-10. Review status: criteria provided, single submitter. Criteria: Invitae Variant Classification Sherloc (09022015). Collection method: clinical testing. Allele origin: germline.
Comment: In summary, the available evidence is currently insufficient to determine the role of this variant in disease. Therefore, it has been classified as a Variant of Uncertain Significance. An algorithm developed to predict the effect of missense changes on protein structure and function (PolyPhen-2) suggests that this variant is likely to be tolerated. ClinVar contains an entry for this variant (Variation ID: 1944776). This variant has not been reported in the literature in individuals affected with CNTNAP1-related conditions. This variant is present in population databases (rs748402395, gnomAD 0.02%). This sequence change replaces proline, which is neutral and non-polar, with leucine, which is neutral and non-polar, at codon 1333 of the CNTNAP1 protein (p.Pro1333Leu).

NM_003632.3(CNTNAP1):c.3998C>T (p.Pro1333Leu)

Genes: CNTNAP1 (contactin associated protein 1; plus strand), LOC128669077 (EZH1 +46 kb erythroid enhancer; plus strand). Cytogenetic location: 17q21.2.
Variant type: single nucleotide variant.
Coding change: c.3998C>T on transcript NM_003632.3 (MANE Select); coding-DNA position 3998, C replaced by T.
Protein change: p.Pro1333Leu; replaces proline 1333 with leucine.
Molecular consequence: missense variant.
Genome position (GRCh38, 1-based): chr17:42,698,753, C>T. VCF-style: chr17-42698753-C-T. GRCh37 (hg19) VCF-style: chr17-40850771-C-T.
Other names: short protein forms P1333L.
Identifiers: ClinVar variation 1944776 (VCV001944776.5), dbSNP rs748402395, ClinGen allele CA8582511.
Genomic context (GRCh38, chr17:42,698,753, plus strand): 5'-GCTCCTACCATACCAATGAGCCCAAGGCTGCCCACGAGTACCATCCTGGCAGCAAACCTC[C>T]CCTACCCACTTCAGGCCCTGCCCAGGTCCCCACCCCTACAGCAGCTCCCAACCAAGCTCC-3'
Protein context (NP_003623.1, residues 1323-1343): AHEYHPGSKP[Pro1333Leu]LPTSGPAQVP